The following is an entry in ClinVar:

ClinVar aggregate classification (germline): Conflicting classifications of pathogenicity. Review status: criteria provided, conflicting classifications (1 of 4 stars). 11 submissions from 9 submitters: Uncertain significance (2); Benign (7); Likely benign (2). Last evaluated 2026-07-01.

Conditions:
Nephronophthisis. Also called: Juvenile Nephronophthisis. Identifiers: Orphanet 655, MedGen C0687120, MONDO:0019005, HP:0000090.
Bardet-Biedl syndrome (BBS). Identifiers: Orphanet 110, MedGen C0752166, MONDO:0015229.
Nephronophthisis 3 (NPHP3). Also called: Adolescent nephronophthisis. Identifiers: Orphanet 655, MedGen C1858392, MONDO:0011456, OMIM 604387.
NPHP3-related Meckel-like syndrome. Also called: Meckel syndrome type 7; GOLDSTON SYNDROME. Identifiers: Orphanet 3032, MedGen C2673885, MONDO:0009966, OMIM 267010.
Renal-hepatic-pancreatic dysplasia 1 (RHPD1). Identifiers: MedGen C3715199, MONDO:0008833, OMIM 208540.

Allele frequency attached by ClinVar (database versions not stated): 1000 Genomes Project 30x 0.00375; gnomAD exomes 0.00888 and 0.00823; TOPMed 0.00611; gnomAD 0.00744 and 0.00759; ExAC 0.00864; ESP Exome Variant Server 0.00884; 1000 Genomes Project 0.00339.
gnomAD v4.1: 14,148 of 1,613,890 alleles (0.88%); highest among the groups gnomAD compares: South Asian, 1%; 99 homozygotes.

Submissions (11):

CeGaT Center for Human Genetics Tuebingen
Classification: Benign. Last evaluated: 2026-07-01. Review status: criteria provided, single submitter. Criteria: CeGaT Center For Human Genetics Tuebingen Variant Classification Criteria Version 2. Collection method: clinical testing. Allele origin: germline. Affected: yes. Observed: 19 variant alleles.
Comment: NPHP3: BS1, BS2

Labcorp Genetics (formerly Invitae), Labcorp
Classification: Benign for Nephronophthisis. Last evaluated: 2026-02-02. Review status: criteria provided, single submitter. Criteria: Invitae Variant Classification Sherloc (09022015). Collection method: clinical testing. Allele origin: germline.

Mayo Clinic Laboratories, Mayo Clinic
Classification: Benign. Last evaluated: 2024-07-25. Review status: criteria provided, single submitter. Criteria: ACMG Guidelines, 2015. Collection method: clinical testing. Allele origin: germline. Observed: 14 variant alleles.
Comment: BS1, BS2, PP3

SN ONGC Dept of Genetics and Molecular biology Vision Research Foundation
Classification: Uncertain significance for Bardet-Biedl syndrome. Last evaluated: 2023-06-02. Review status: criteria provided, single submitter. Criteria: ACMG Guidelines, 2015. Collection method: research. Allele origin: unknown. Affected: yes. Observed: 1 heterozygote.
Comment: This variant was observed in digenic inheritance with the variant NC_000011.9:g.118509676G>A.

Illumina Laboratory Services, Illumina
Classification: Uncertain significance for NPHP3-related Meckel-like syndrome. Last evaluated: 2018-01-13. Review status: criteria provided, single submitter. Criteria: ICSL Variant Classification Criteria 13 December 2019. Collection method: clinical testing. Allele origin: germline.

Illumina Laboratory Services, Illumina
Classification: Benign for Renal-hepatic-pancreatic dysplasia 1. Last evaluated: 2018-01-13. Review status: criteria provided, single submitter. Criteria: ICSL Variant Classification Criteria 13 December 2019. Collection method: clinical testing. Allele origin: germline.
Comment: This variant was observed in the ICSL laboratory as part of a predisposition screen in an ostensibly healthy population. It had not been previously curated by ICSL or reported in the Human Gene Mutation Database (HGMD: prior to June 1st, 2018), and was therefore a candidate for classification through an automated scoring system. Utilizing variant allele frequency, disease prevalence and penetrance estimates, and inheritance mode, an automated score was calculated to assess if this variant is too frequent to cause the disease. Based on the score and internal cut-off values, a variant classified as benign is not then subjected to further curation. The score for this variant resulted in a classification of benign for this disease.

Illumina Laboratory Services, Illumina
Classification: Likely benign for Nephronophthisis 3. Last evaluated: 2018-01-13. Review status: criteria provided, single submitter. Criteria: ICSL Variant Classification Criteria 13 December 2019. Collection method: clinical testing. Allele origin: germline.
Comment: This variant was observed in the ICSL laboratory as part of a predisposition screen in an ostensibly healthy population. It had not been previously curated by ICSL or reported in the Human Gene Mutation Database (HGMD: prior to June 1st, 2018), and was therefore a candidate for classification through an automated scoring system. Utilizing variant allele frequency, disease prevalence and penetrance estimates, and inheritance mode, an automated score was calculated to assess if this variant is too frequent to cause the disease. Based on the score and internal cut-off values, a variant classified as likely benign is not then subjected to further curation. The score for this variant resulted in a classification of likely benign for this disease.

GeneDx
Classification: Benign. Last evaluated: 2017-02-09. Review status: criteria provided, single submitter. Criteria: GeneDx Variant Classification (06012015). Collection method: clinical testing. Allele origin: germline. Affected: yes.
Comment: This variant is considered likely benign or benign based on one or more of the following criteria: it is a conservative change, it occurs at a poorly conserved position in the protein, it is predicted to be benign by multiple in silico algorithms, and/or has population frequency not consistent with disease.

PreventionGenetics, part of Exact Sciences
Classification: Benign. Last evaluated: 2016-04-26. Review status: criteria provided, single submitter. Criteria: ACMG Guidelines, 2015. Collection method: clinical testing. Allele origin: germline.

Center for Pediatric Genomic Medicine, Children's Mercy Hospital and Clinics
Classification: Likely benign. Last evaluated: 2015-05-22. Review status: criteria provided, single submitter. Criteria: ACMG Guidelines, 2015. Collection method: clinical testing. Allele origin: germline.
ClinVar note: Converted during submission from Likely Benign to Likely benign.

Eurofins Ntd Llc (ga)
Classification: Benign. Last evaluated: 2014-01-30. Review status: criteria provided, single submitter. Criteria: EGL Classification Definitions 2015. Collection method: clinical testing. Allele origin: germline. Observed: 1 variant allele, 1 heterozygote.

Literature cited by the submitters: PubMed 36090483 (cited by Mayo Clinic Laboratories, Mayo Clinic); PubMed 37431782 (cited by Mayo Clinic Laboratories, Mayo Clinic).

NM_153240.5(NPHP3):c.3550G>A (p.Ala1184Thr)

Genes: NPHP3 (nephrocystin 3; minus strand), NPHP3-ACAD11 (NPHP3-ACAD11 readthrough (NMD candidate); minus strand). Cytogenetic location: 3q22.1.
Variant type: single nucleotide variant.
Coding change: c.3550G>A on transcript NM_153240.5 (MANE Select); coding-DNA position 3550, G replaced by A.
Protein change: p.Ala1184Thr; replaces alanine 1184 with threonine.
Molecular consequence: missense variant. On other transcripts: non-coding transcript variant (1).
Genome position (GRCh38, 1-based): chr3:132,684,574, C>T on the plus strand (G>A on the coding strand, the complement: NPHP3 is on the minus strand). VCF-style: chr3-132684574-C-T. GRCh37 (hg19) VCF-style: chr3-132403418-C-T.
Other names: short protein forms A1184T.
Identifiers: ClinVar variation 167378 (VCV000167378.54), dbSNP rs34391943, ClinGen allele CA180240.